The following is an entry in ClinVar:

NM_032119.4(ADGRV1):c.10777G>T (p.Glu3593Ter)

Gene: ADGRV1 (adhesion G protein-coupled receptor V1; plus strand). Cytogenetic location: 5q14.3.
Variant type: single nucleotide variant.
Coding change: c.10777G>T on transcript NM_032119.4 (MANE Select); coding-DNA position 10777, G replaced by T.
Protein change: p.Glu3593Ter; replaces glutamic acid 3593 with a stop codon.
Molecular consequence: nonsense. On other transcripts: non-coding transcript variant (1).
Genome position (GRCh38, 1-based): chr5:90,745,598, G>T. VCF-style: chr5-90745598-G-T. GRCh37 (hg19) VCF-style: chr5-90041415-G-T.
Other names: short protein forms E3593*.
Identifiers: ClinVar variation 2821617 (VCV002821617.3), dbSNP rs1754531788, ClinGen allele CA360408794.
Genomic context (GRCh38, chr5:90,745,598, plus strand): 5'-TATATCTTAAATTTGTTGTAGTTGACTTATTTTGTATATGCTTCTTATGGTAGTTCAGGT[G>T]AACTGATATTTGAACCTGGTGAGAGAGAAGCTACAATAGCAGTAAATATCCTTGATGATA-3'

ClinVar aggregate classification (germline): Pathogenic (1 of 4 stars; one submission).

Submission:

Labcorp Genetics (formerly Invitae), Labcorp
Classification: Pathogenic. Last evaluated: 2022-12-16. Review status: criteria provided, single submitter. Criteria: Invitae Variant Classification Sherloc (09022015). Collection method: clinical testing. Allele origin: germline.
Comment: This sequence change creates a premature translational stop signal (p.Glu3593*) in the ADGRV1 gene. It is expected to result in an absent or disrupted protein product. Loss-of-function variants in ADGRV1 are known to be pathogenic (PMID: 19357117, 22135276, 22147658, 26226137, 30718709, 31047384, 32467589). This variant is not present in population databases (gnomAD no frequency). This variant has not been reported in the literature in individuals affected with ADGRV1-related conditions. For these reasons, this variant has been classified as Pathogenic.

Literature cited by the submitters: PubMed 19357117; PubMed 22135276; PubMed 22147658; PubMed 26226137; PubMed 30718709; PubMed 31047384; PubMed 32467589.